The following is an entry in ClinVar:

ClinVar aggregate classification (germline): Uncertain significance. Review status: criteria provided, multiple submitters, no conflicts (2 of 4 stars). 2 submissions from 2 submitters: Uncertain significance (2). Last evaluated 2026-01-24.

Conditions:
FOXC1-related disorder. Also called: FOXC1-related condition.
Axenfeld-Rieger syndrome type 3 (RIEG3). Also called: AXENFELD-RIEGER ANOMALY WITH CARDIAC DEFECTS AND/OR SENSORINEURAL HEARING LOSS. Identifiers: Orphanet 782, MedGen C2678503, MONDO:0011233, OMIM 602482.

Allele frequency attached by ClinVar (database versions not stated): gnomAD exomes 0.00001; TOPMed 0.00002.

Submissions (2):

Labcorp Genetics (formerly Invitae), Labcorp
Classification: Uncertain significance for Axenfeld-Rieger syndrome type 3. Last evaluated: 2026-01-24. Review status: criteria provided, single submitter. Criteria: Invitae Variant Classification Sherloc (09022015). Collection method: clinical testing. Allele origin: germline.
Comment: This sequence change replaces threonine, which is neutral and polar, with alanine, which is neutral and non-polar, at codon 437 of the FOXC1 protein (p.Thr437Ala). This variant is present in population databases (no rsID available, gnomAD 0.003%). This variant has not been reported in the literature in individuals affected with FOXC1-related conditions. ClinVar contains an entry for this variant (Variation ID: 2632922). An algorithm developed to predict the effect of missense changes on protein structure and function (PolyPhen-2) suggests that this variant is likely to be tolerated. In summary, the available evidence is currently insufficient to determine the role of this variant in disease. Therefore, it has been classified as a Variant of Uncertain Significance.

PreventionGenetics, part of Exact Sciences
Classification: Uncertain significance for FOXC1-related condition. Last evaluated: 2023-04-11. Review status: criteria provided, single submitter. Criteria: ACMG Guidelines, 2015. Collection method: clinical testing. Allele origin: germline.
Comment: The FOXC1 c.1309A>G variant is predicted to result in the amino acid substitution p.Thr437Ala. To our knowledge, this variant has not been reported in the literature. This variant is reported in 0.0032% of alleles in individuals of European (Non-Finnish) descent in gnomAD. At this time, the clinical significance of this variant is uncertain due to the absence of conclusive functional and genetic evidence.

NM_001453.3(FOXC1):c.1309A>G (p.Thr437Ala)

Gene: FOXC1 (forkhead box C1; plus strand). Cytogenetic location: 6p25.3.
Variant type: single nucleotide variant.
Coding change: c.1309A>G on transcript NM_001453.3 (MANE Select); coding-DNA position 1309, A replaced by G.
Protein change: p.Thr437Ala; replaces threonine 437 with alanine.
Molecular consequence: missense variant.
Genome position (GRCh38, 1-based): chr6:1,611,754, A>G. VCF-style: chr6-1611754-A-G. GRCh37 (hg19) VCF-style: chr6-1611989-A-G.
Other names: short protein forms T437A.
Identifiers: ClinVar variation 2632922 (VCV002632922.2), dbSNP rs1422827955, ClinGen allele CA362560648.
Genomic context (GRCh38, chr6:1,611,754, plus strand): 5'-GGGGGCGCGGGCGGCTCGGCCGTGGACGACCCCCTGCCCGACTACTCTCTGCCTCCGGTC[A>G]CCAGCAGCAGCTCGTCGTCCCTGAGTCACGGCGGCGGCGGCGGCGGCGGCGGGGGAGGCC-3'
Protein context (NP_001444.2, residues 427-447): PLPDYSLPPV[Thr437Ala]SSSSSSLSHG